The following is an entry in ClinVar:

NM_007294.4(BRCA1):c.3749_3752del (p.Glu1250fs)

Genes: BRCA1 (BRCA1 DNA repair associated; minus strand), LOC126862571 (BRD4-independent group 4 enhancer GRCh37_chr17:41243136-41244335; plus strand). Cytogenetic location: 17q21.31.
Variant type: Deletion.
Coding change: c.3749_3752del on transcript NM_007294.4 (MANE Select); coding-DNA positions 3749 to 3752, 4 bases deleted (AGTG; older notation c.3749_3752delAGTG).
Protein change: p.Glu1250fs; shifts the reading frame from glutamic acid 1250.
Molecular consequence: frameshift variant. On other transcripts: intron variant (135).
Genome position (GRCh38, 1-based): chr17:43,091,779-43,091,782, CACT deleted on the plus strand (AGTG on the coding strand, the reverse complement: BRCA1 is on the minus strand); deleting any 4 consecutive bases within chr17:43,091,779-43,091,783 gives the same sequence; the c. name uses the placement nearest the transcript's 3' end. VCF-style (leftmost placement, unchanged base first): chr17-43091778-ACACT-A. GRCh37 (hg19) VCF-style: chr17-41243795-ACACT-A.
Other names: c.578-750_578-747del (NM_001408479.1, NM_001408514.1, NM_001408485.1 and 9 more transcripts); c.662-750_662-747del (NM_001408445.1, NM_001408432.1, NM_001408447.1 and 6 more transcripts); c.668-750_668-747del (NM_001408431.1, NM_001408424.1, NM_001408421.1); c.785-750_785-747del (NM_001408407.1, NM_001408402.1, NM_001408473.1 and 13 more transcripts); c.665-750_665-747del (NM_001408443.1, NM_001408439.1, NM_001408425.1 and 12 more transcripts); c.671-750_671-747del (NM_001408419.1, NM_001408422.1, NM_001408418.1 and 2 more transcripts); c.710-750_710-747del (NM_001408414.1, NM_001408411.1, NM_001408412.1 and 2 more transcripts); c.707-750_707-747del (NM_001408416.1, NM_001408413.1); and 42 more; short protein forms E1250fs, E1203fs, E1161fs, E1180fs, E1208fs, E1209fs, E1224fs, E1247fs.
Identifiers: ClinVar variation 941075 (VCV000941075.9), dbSNP rs2053531990, ClinGen allele CA1139665614.

ClinVar aggregate classification (germline): Pathogenic (1 of 4 stars; one submission).

Conditions:
Hereditary breast ovarian cancer syndrome. Also called: Hereditary breast and/or ovarian cancer syndrome; Hereditary breast and ovarian cancer syndrome; Hereditary breast and ovarian cancer; Hereditary breast and ovarian cancer syndrome (HBOC); Breast and ovarian cancer; BRCA1- and BRCA2-Associated Hereditary Breast and Ovarian Cancer. Identifiers: Orphanet 145, MedGen C0677776, MeSH D061325, MONDO:0003582. Disease mechanism: loss of function.

Submission:

Labcorp Genetics (formerly Invitae), Labcorp
Classification: Pathogenic for Hereditary breast ovarian cancer syndrome. Last evaluated: 2019-10-13. Review status: criteria provided, single submitter. Criteria: Invitae Variant Classification Sherloc (09022015). Collection method: clinical testing. Allele origin: germline.
Comment: This sequence change creates a premature translational stop signal (p.Glu1250Valfs*13) in the BRCA1 gene. It is expected to result in an absent or disrupted protein product. This variant is not present in population databases (ExAC no frequency). This variant has not been reported in the literature in individuals with BRCA1-related conditions. Loss-of-function variants in BRCA1 are known to be pathogenic (PMID: 20104584). For these reasons, this variant has been classified as Pathogenic.

Literature cited by the submitters: PubMed 20104584.